The following is an entry in ClinVar:

NM_001130823.3(DNMT1):c.1708G>A (p.Ala570Thr)

Gene: DNMT1 (DNA methyltransferase 1; minus strand). Cytogenetic location: 19p13.2.
Variant type: single nucleotide variant.
Coding change: c.1708G>A on transcript NM_001130823.3 (MANE Select); coding-DNA position 1708, G replaced by A.
Protein change: p.Ala570Thr; replaces alanine 570 with threonine.
Molecular consequence: missense variant.
Genome position (GRCh38, 1-based): chr19:10,154,710, C>T on the plus strand (G>A on the coding strand, the complement: DNMT1 is on the minus strand). VCF-style: chr19-10154710-C-T. GRCh37 (hg19) VCF-style: chr19-10265386-C-T.
Other names: p.Ala570Thr; c.1660G>A, p.Ala554Thr (NM_001318730.2, NM_001379.4); c.1345G>A, p.Ala449Thr (NM_001318731.2); short protein forms A449T, A554T, A570T.
Identifiers: ClinVar variation 857728 (VCV000857728.10), dbSNP rs1003447106, ClinGen allele CA305172489.

ClinVar aggregate classification (germline): Uncertain significance. Review status: criteria provided, multiple submitters, no conflicts (2 of 4 stars). 2 submissions from 2 submitters: Uncertain significance (2). Last evaluated 2025-11-16.

Conditions:
Hereditary sensory neuropathy-deafness-dementia syndrome. Also called: NEUROPATHY, HEREDITARY SENSORY, WITH HEARING LOSS AND DEMENTIA; Hereditary Sensory and Autonomic Neuropathy Type 1E (HSAN1E); Hereditary sensory neuropathy type IE; HSN IE. Identifiers: Orphanet 456318, MedGen C3279885, MONDO:0013584, OMIM 614116.

Allele frequency attached by ClinVar (database versions not stated): gnomAD exomes below 0.00001.
gnomAD v4.1: 5 of 1,614,228 alleles (0.00031%); highest among the groups gnomAD compares: Non-Finnish European, 0.00034%; no homozygotes.

Submissions (2):

Labcorp Genetics (formerly Invitae), Labcorp
Classification: Uncertain significance for Hereditary sensory neuropathy-deafness-dementia syndrome. Last evaluated: 2025-11-16. Review status: criteria provided, single submitter. Criteria: Invitae Variant Classification Sherloc (09022015). Collection method: clinical testing. Allele origin: germline.
Comment: This sequence change replaces alanine, which is neutral and non-polar, with threonine, which is neutral and polar, at codon 570 of the DNMT1 protein (p.Ala570Thr). This variant is not present in population databases (gnomAD no frequency). This variant has not been reported in the literature in individuals affected with DNMT1-related conditions. ClinVar contains an entry for this variant (Variation ID: 857728). Invitae Evidence Modeling of protein sequence and biophysical properties (such as structural, functional, and spatial information, amino acid conservation, physicochemical variation, residue mobility, and thermodynamic stability) indicates that this missense variant is expected to disrupt DNMT1 protein function with a positive predictive value of 80%. This variant disrupts the p.Ala570 amino acid residue in DNMT1. Other variant(s) that disrupt this residue have been determined to be pathogenic (PMID: 22328086). This suggests that this residue is clinically significant, and that variants that disrupt this residue are likely to be disease-causing. In summary, the available evidence is currently insufficient to determine the role of this variant in disease. Therefore, it has been classified as a Variant of Uncertain Significance.

Mayo Clinic Laboratories, Mayo Clinic
Classification: Uncertain significance. Last evaluated: 2025-06-13. Review status: criteria provided, single submitter. Criteria: ACMG Guidelines, 2015. Collection method: clinical testing. Allele origin: germline. Observed: 1 variant allele.
Comment: PP2, PM5

Literature cited by the submitters: PubMed 22328086 (cited by Labcorp Genetics (formerly Invitae), Labcorp and Mayo Clinic Laboratories, Mayo Clinic); PubMed 31984424 (cited by Mayo Clinic Laboratories, Mayo Clinic).